The following is an entry in ClinVar:

ClinVar aggregate classification (germline): Uncertain significance (1 of 4 stars; one submission).

Submission:

GeneDx
Classification: Uncertain significance. Last evaluated: 2023-03-24. Review status: criteria provided, single submitter. Criteria: GeneDx Variant Classification Process June 2021. Collection method: clinical testing. Allele origin: germline. Affected: yes.
Comment: Not observed at significant frequency in large population cohorts (gnomAD); Frameshift variant predicted to result in protein truncation or nonsense mediated decay in a gene or region of a gene for which loss of function is not a well-established mechanism of disease; Has not been previously published as pathogenic or benign to our knowledge; Variants in candidate genes are classified as variants of uncertain significance in accordance with ACMG guidelines (Richards et al., 2015)

NM_003458.4(BSN):c.867dup (p.Pro290fs)

Gene: BSN (bassoon presynaptic cytomatrix protein; plus strand). Cytogenetic location: 3p21.31.
Variant type: Duplication.
Coding change: c.867dup on transcript NM_003458.4 (MANE Select); coding-DNA position 867, one base duplicated (G; older notation c.867dupG).
Protein change: p.Pro290fs; shifts the reading frame from proline 290.
Molecular consequence: frameshift variant.
Genome position (GRCh38, 1-based): chr3:49,642,501, G duplicated; the last of 4 consecutive G bases (chr3:49,642,498-49,642,501); duplicating any one gives the same sequence. VCF-style (leftmost placement, unchanged base first): chr3-49642497-C-CG. GRCh37 (hg19) VCF-style: chr3-49679930-C-CG.
Other names: short protein forms P290fs.
Identifiers: ClinVar variation 3900290 (VCV003900290.1).
Genomic context (GRCh38, chr3:49,642,497, plus strand): 5'-GCCCAGGAGGACCACAGCCTGGGTCCCGCCAGGCTGAGACAGCCAGGGCCACCTCAGTGC[C>CG]GGGGCCTGCCCAAGCAGCTGCCCCTCCAGAGGTGGGGAGGGTGTCTCCTCAGCCCCCTCA-3'